The following is an entry in ClinVar:

NM_007194.4(CHEK2):c.486T>C (p.Asp162=)

Gene: CHEK2 (checkpoint kinase 2; minus strand). Cytogenetic location: 22q12.1.
Variant type: single nucleotide variant.
Coding change: c.486T>C on transcript NM_007194.4 (MANE Select); coding-DNA position 486, T replaced by C.
Protein change: p.Asp162=; no amino-acid change (aspartic acid 162 retained).
Molecular consequence: synonymous variant. On other transcripts: 5 prime UTR variant (2), intron variant (1).
Genome position (GRCh38, 1-based): chr22:28,725,083, A>G on the plus strand (T>C on the coding strand, the complement: CHEK2 is on the minus strand). VCF-style: chr22-28725083-A-G. GRCh37 (hg19) VCF-style: chr22-29121071-A-G.
Other names: c.615T>C, p.Asp205= (NM_001005735.3, NM_001438294.1); c.-292T>C (NM_001257387.3); c.-178T>C (NM_001437942.1); c.579T>C, p.Asp193= (NM_001438293.1, NM_001438295.1); c.486T>C, p.Asp162= (NM_145862.3); c.444+160T>C (NM_001349956.3).
Identifiers: ClinVar variation 3773553 (VCV003773553.1).
Genomic context (GRCh38, chr22:28,725,083, plus strand): 5'-AGGACGGCGTTTTCCTTTCCCTACAAGCTCTGTATTTACAAAGGTTCCATTGCCACTGTG[A>G]TCTTCTATGTATGCAATGTAAGAGTTTTTAGGACCCACTTCCTAAAATAGAGAACATTTT-3'
Protein context (NP_009125.1, residues 152-172): PKNSYIAYIE[Asp162=]HSGNGTFVNT

ClinVar aggregate classification (germline): Benign (1 of 4 stars; one submission).

Conditions:
Familial cancer of breast. Also called: Hereditary breast cancer; BREAST CANCER, FAMILIAL; hereditary breast carcinoma. Identifiers: Orphanet 227535, MedGen C0346153, MONDO:0016419, OMIM 114480. Disease mechanism: loss of function.

Submission:

Myriad Genetics, Inc.
Classification: Benign for Familial cancer of breast. Last evaluated: 2024-10-02. Review status: criteria provided, single submitter. Criteria: Myriad Autosomal Dominant, Autosomal Recessive and X-Linked Classification Criteria (2023). Collection method: clinical testing. Allele origin: unknown.
Comment: This variant is considered benign. This variant is a silent/synonymous amino acid change and it is not expected to impact splicing.